The following is an entry in ClinVar:

NM_000384.3(APOB):c.5667A>C (p.Ser1889=)

Gene: APOB (apolipoprotein B; minus strand). Cytogenetic location: 2p24.1.
Variant type: single nucleotide variant.
Coding change: c.5667A>C on transcript NM_000384.3 (MANE Select); coding-DNA position 5667, A replaced by C.
Protein change: p.Ser1889=; no amino-acid change (serine 1889 retained).
Molecular consequence: synonymous variant.
Genome position (GRCh38, 1-based): chr2:21,011,201, T>G on the plus strand (A>C on the coding strand, the complement: APOB is on the minus strand). VCF-style: chr2-21011201-T-G. GRCh37 (hg19) VCF-style: chr2-21234073-T-G.
Identifiers: ClinVar variation 4076995 (VCV004076995.2).

ClinVar aggregate classification (germline): Likely benign. Review status: criteria provided, multiple submitters, no conflicts (2 of 4 stars). 2 submissions from 2 submitters: Likely benign (2). Last evaluated 2025-04-25.

Conditions:
Familial hypercholesterolemia. Also called: Familial hypercholesterolemias; Familial hypercholesterolaemia. Identifiers: MedGen C0020445, MONDO:0005439.
Familial hypobetalipoproteinemia 1. Also called: APOB-Related Familial Hypobetalipoproteinemia; Hypobetalipoproteinemia, normotriglyceridemic; Acanthocytosis with hypobetalipoproteinemia. Identifiers: MedGen C4551990, MONDO:0014252, OMIM 615558.
Hypercholesterolemia, autosomal dominant, type B (FHCL2). Also called: Familial Hypercholesterolemia Type B; APOLIPOPROTEIN B-100, FAMILIAL DEFECTIVE; APOLIPOPROTEIN B-100, FAMILIAL LIGAND-DEFECTIVE; HYPERCHOLESTEROLEMIA, FAMILIAL, DUE TO LIGAND-DEFECTIVE APOLIPOPROTEIN B; APOB-Related Familial Hypercholesterolemia, Autosomal Dominant; Hyperlipoproteinemia Type IIb. Identifiers: MedGen C1704417, MONDO:0007751, OMIM 144010.

Submissions (2):

GENinCode PLC
Classification: Likely benign for Familial hypercholesterolemia. Last evaluated: 2025-04-25. Review status: criteria provided, single submitter. Criteria: ACMG Guidelines, 2015. Collection method: clinical testing. Allele origin: germline.
Comment: This is a synonymous (silent) variant that is not predicted to impact splicing and occurs at a nucleotide which is not highly conserved. This variant has been classified as Likely Benign (BP4, BP7).

Labcorp Genetics (formerly Invitae), Labcorp
Classification: Likely benign for Familial hypobetalipoproteinemia 1; Hypercholesterolemia, autosomal dominant, type B. Last evaluated: 2025-03-25. Review status: criteria provided, single submitter. Criteria: Invitae Variant Classification Sherloc (09022015). Collection method: clinical testing. Allele origin: germline.